The following is an entry in ClinVar:

NM_030632.3(ASXL3):c.6074C>G (p.Pro2025Arg)

Gene: ASXL3 (ASXL transcriptional regulator 3; plus strand). Cytogenetic location: 18q12.1.
Variant type: single nucleotide variant.
Coding change: c.6074C>G on transcript NM_030632.3 (MANE Select); coding-DNA position 6074, C replaced by G.
Protein change: p.Pro2025Arg; replaces proline 2025 with arginine.
Molecular consequence: missense variant.
Genome position (GRCh38, 1-based): chr18:33,745,922, C>G. VCF-style: chr18-33745922-C-G. GRCh37 (hg19) VCF-style: chr18-31325886-C-G.
Other names: short protein forms P2025R.
Identifiers: ClinVar variation 2648664 (VCV002648664.24), dbSNP rs760200230, ClinGen allele CA8934547.

ClinVar aggregate classification (germline): Benign (1 of 4 stars; one submission).

Allele frequency attached by ClinVar (database versions not stated): gnomAD 0.00003; ExAC 0.00026.
gnomAD v4.1: 131 of 1,553,614 alleles (0.0084%); highest among the groups gnomAD compares: South Asian, 0.15%; 5 homozygotes.

Submission:

CeGaT Center for Human Genetics Tuebingen
Classification: Benign. Last evaluated: 2022-05-01. Review status: criteria provided, single submitter. Criteria: CeGaT Center For Human Genetics Tuebingen Variant Classification Criteria Version 2. Collection method: clinical testing. Allele origin: germline. Affected: yes. Observed: 1 variant allele.
Comment: ASXL3: BS1, BS2